The following is an entry in ClinVar:

ClinVar aggregate classification (germline): Uncertain significance. Review status: criteria provided, multiple submitters, no conflicts (2 of 4 stars). 3 submissions from 3 submitters: Uncertain significance (3). Last evaluated 2024-11-09.

Conditions:
Inborn genetic diseases. Identifiers: MedGen C0950123, MeSH D030342.

Allele frequency attached by ClinVar (database versions not stated): gnomAD 0.00001; TOPMed 0.00001; ExAC 0.00002; gnomAD exomes 0.00002; ESP Exome Variant Server 0.00008.
gnomAD v4.1: 24 of 1,459,038 alleles (0.0016%); highest among the groups gnomAD compares: East Asian, 0.0028%; no homozygotes.

Submissions (3):

Ambry Genetics
Classification: Uncertain significance for Inborn genetic diseases. Last evaluated: 2024-11-09. Review status: criteria provided, single submitter. Criteria: Ambry Variant Classification Scheme 2023. Collection method: clinical testing. Allele origin: germline.

Labcorp Genetics (formerly Invitae), Labcorp
Classification: Uncertain significance. Last evaluated: 2020-11-15. Review status: criteria provided, single submitter. Criteria: Invitae Variant Classification Sherloc (09022015). Collection method: clinical testing. Allele origin: germline.
Comment: This variant is present in population databases (rs145469493, ExAC 0.01%). In summary, the available evidence is currently insufficient to determine the role of this variant in disease. Therefore, it has been classified as a Variant of Uncertain Significance. Algorithms developed to predict the effect of missense changes on protein structure and function are either unavailable or do not agree on the potential impact of this missense change (SIFT: "Tolerated"; PolyPhen-2: "Probably Damaging"; Align-GVGD: "Class C0"). This variant has not been reported in the literature in individuals with HSPG2-related conditions. This sequence change replaces glycine with serine at codon 2200 of the HSPG2 protein (p.Gly2200Ser). The glycine residue is weakly conserved and there is a small physicochemical difference between glycine and serine.

GeneDx
Classification: Uncertain significance. Last evaluated: 2019-04-05. Review status: criteria provided, single submitter. Criteria: GeneDx Variant Classification Process June 2021. Collection method: clinical testing. Allele origin: germline. Affected: yes.
Comment: Has not been previously published as pathogenic or benign to our knowledge; In silico analysis, which includes protein predictors and evolutionary conservation, supports a deleterious effect

NM_005529.7(HSPG2):c.6598G>A (p.Gly2200Ser)

Genes: HSPG2 (heparan sulfate proteoglycan 2; minus strand), LOC126805655 (CDK7 strongly-dependent group 2 enhancer GRCh37_chr1:22178409-22179608; plus strand). Cytogenetic location: 1p36.12.
Variant type: single nucleotide variant.
Coding change: c.6598G>A on transcript NM_005529.7 (MANE Select); coding-DNA position 6598, G replaced by A.
Protein change: p.Gly2200Ser; replaces glycine 2200 with serine.
Molecular consequence: missense variant.
Genome position (GRCh38, 1-based): chr1:21,852,826, C>T on the plus strand (G>A on the coding strand, the complement: HSPG2 is on the minus strand). VCF-style: chr1-21852826-C-T. GRCh37 (hg19) VCF-style: chr1-22179319-C-T.
Other names: c.6601G>A, p.Gly2201Ser (NM_001291860.2); short protein forms G2200S, G2201S.
Identifiers: ClinVar variation 1308513 (VCV001308513.10), dbSNP rs145469493, ClinGen allele CA671479.